The following is an entry in ClinVar:

ClinVar aggregate classification (germline): Uncertain significance (1 of 4 stars; one submission).

Conditions:
Charcot-Marie-Tooth disease type 4. Also called: Charcot-Marie-Tooth, Type 4; Charcot-Marie-Tooth disease, type IV. Identifiers: Orphanet 64749, MedGen C4082197, MONDO:0018995.

Allele frequency attached by ClinVar (database versions not stated): ExAC 0.00001; gnomAD 0.00001; gnomAD exomes 0.00002; TOPMed 0.00002; ESP Exome Variant Server 0.00008.
gnomAD v4.1: 32 of 1,613,088 alleles (0.002%); highest among the groups gnomAD compares: Non-Finnish European, 0.0025%; no homozygotes.

Submission:

Labcorp Genetics (formerly Invitae), Labcorp
Classification: Uncertain significance for Charcot-Marie-Tooth disease type 4. Last evaluated: 2024-02-17. Review status: criteria provided, single submitter. Criteria: Invitae Variant Classification Sherloc (09022015). Collection method: clinical testing. Allele origin: germline.
Comment: This sequence change replaces glycine, which is neutral and non-polar, with serine, which is neutral and polar, at codon 196 of the SBF2 protein (p.Gly196Ser). This variant is present in population databases (rs150725040, gnomAD 0.003%). This variant has not been reported in the literature in individuals affected with SBF2-related conditions. ClinVar contains an entry for this variant (Variation ID: 578929). Advanced modeling of protein sequence and biophysical properties (such as structural, functional, and spatial information, amino acid conservation, physicochemical variation, residue mobility, and thermodynamic stability) performed at Invitae indicates that this missense variant is not expected to disrupt SBF2 protein function with a negative predictive value of 80%. In summary, the available evidence is currently insufficient to determine the role of this variant in disease. Therefore, it has been classified as a Variant of Uncertain Significance.

NM_030962.4(SBF2):c.586G>A (p.Gly196Ser)

Gene: SBF2 (SET binding factor 2; minus strand). Cytogenetic location: 11p15.4.
Variant type: single nucleotide variant.
Coding change: c.586G>A on transcript NM_030962.4 (MANE Select); coding-DNA position 586, G replaced by A.
Protein change: p.Gly196Ser; replaces glycine 196 with serine.
Molecular consequence: missense variant.
Genome position (GRCh38, 1-based): chr11:10,028,485, C>T on the plus strand (G>A on the coding strand, the complement: SBF2 is on the minus strand). VCF-style: chr11-10028485-C-T. GRCh37 (hg19) VCF-style: chr11-10050032-C-T.
Other names: c.586G>A, p.Gly196Ser (NM_001386339.1, NM_001386342.1); short protein forms G196S.
Identifiers: ClinVar variation 578929 (VCV000578929.11), dbSNP rs150725040, ClinGen allele CA5882073.